The following is an entry in ClinVar:

NM_017617.5(NOTCH1):c.7279G>C (p.Gly2427Arg)

Gene: NOTCH1 (notch receptor 1; minus strand). Cytogenetic location: 9q34.3.
Variant type: single nucleotide variant.
Coding change: c.7279G>C on transcript NM_017617.5 (MANE Select); coding-DNA position 7279, G replaced by C.
Protein change: p.Gly2427Arg; replaces glycine 2427 with arginine.
Molecular consequence: missense variant.
Genome position (GRCh38, 1-based): chr9:136,496,460, C>G on the plus strand (G>C on the coding strand, the complement: NOTCH1 is on the minus strand). VCF-style: chr9-136496460-C-G. GRCh37 (hg19) VCF-style: chr9-139390912-C-G.
Other names: short protein forms G2427R.
Identifiers: ClinVar variation 2571348 (VCV002571348.30), dbSNP rs370722609, ClinGen allele CA201632695.

ClinVar aggregate classification (germline): Uncertain significance. Review status: criteria provided, multiple submitters, no conflicts (2 of 4 stars). 2 submissions from 2 submitters: Uncertain significance (2). Last evaluated 2025-12-29.

Conditions:
Adams-Oliver syndrome 5 (AOS5). Identifiers: Orphanet 974, MedGen C4014970, MONDO:0014459, OMIM 616028.

Allele frequency attached by ClinVar (database versions not stated): gnomAD 0.00001; ESP Exome Variant Server 0.00008.

Submissions (2):

Labcorp Genetics (formerly Invitae), Labcorp
Classification: Uncertain significance for Adams-Oliver syndrome 5. Last evaluated: 2025-12-29. Review status: criteria provided, single submitter. Criteria: Invitae Variant Classification Sherloc (09022015). Collection method: clinical testing. Allele origin: germline.
Comment: This sequence change replaces glycine, which is neutral and non-polar, with arginine, which is basic and polar, at codon 2427 of the NOTCH1 protein (p.Gly2427Arg). This variant is not present in population databases (gnomAD no frequency). This variant has not been reported in the literature in individuals affected with NOTCH1-related conditions. ClinVar contains an entry for this variant (Variation ID: 2571348). Invitae Evidence Modeling of protein sequence and biophysical properties (such as structural, functional, and spatial information, amino acid conservation, physicochemical variation, residue mobility, and thermodynamic stability) indicates that this missense variant is not expected to disrupt NOTCH1 protein function with a negative predictive value of 95%. In summary, the available evidence is currently insufficient to determine the role of this variant in disease. Therefore, it has been classified as a Variant of Uncertain Significance.

CeGaT Center for Human Genetics Tuebingen
Classification: Uncertain significance. Last evaluated: 2023-04-01. Review status: criteria provided, single submitter. Criteria: CeGaT Center For Human Genetics Tuebingen Variant Classification Criteria Version 2. Collection method: clinical testing. Allele origin: germline. Affected: yes. Observed: 1 variant allele.
Comment: NOTCH1: PP2